The following is an entry in ClinVar:

NM_198271.5(LMOD3):c.1456C>G (p.Arg486Gly)

Gene: LMOD3 (leiomodin 3; minus strand). Cytogenetic location: 3p14.1.
Variant type: single nucleotide variant.
Coding change: c.1456C>G on transcript NM_198271.5 (MANE Select); coding-DNA position 1456, C replaced by G.
Protein change: p.Arg486Gly; replaces arginine 486 with glycine.
Molecular consequence: missense variant.
Genome position (GRCh38, 1-based): chr3:69,118,899, G>C on the plus strand (C>G on the coding strand, the complement: LMOD3 is on the minus strand). VCF-style: chr3-69118899-G-C. GRCh37 (hg19) VCF-style: chr3-69168050-G-C.
Other names: c.1456C>G, p.Arg486Gly (NM_001304418.3); c.1456C>G (NM_198271.3); short protein forms R486G.
Identifiers: ClinVar variation 1436925 (VCV001436925.8), dbSNP rs769492984, ClinGen allele CA353470416.
Genomic context (GRCh38, chr3:69,118,899, plus strand): 5'-GTGGTTCTCTGGCTTCCGGCATCCGAGATTTGCGCTGGATTCTCTTCAGCTTCACCACCC[G>C]GAAGGAGTCAGGGTCTGTCCTGTACTTCGGGGCCTGCGATGGCTTTTTCATCATTTCACT-3'
Protein context (NP_938012.2, residues 476-496): PKYRTDPDSF[Arg486Gly]VVKLKRIQRK

ClinVar aggregate classification (germline): Uncertain significance. Review status: criteria provided, multiple submitters, no conflicts (2 of 4 stars). 2 submissions from 2 submitters: Uncertain significance (2). Last evaluated 2025-02-20.

Conditions:
Inborn genetic diseases. Identifiers: MedGen C0950123, MeSH D030342.
Nemaline myopathy 10 (NEM10). Identifiers: MedGen C4015360, MONDO:0014513, OMIM 616165.

gnomAD v4.1: 21 of 1,611,478 alleles (0.0013%); highest among the groups gnomAD compares: African/African-American, 0.012%; no homozygotes.

Submissions (2):

Ambry Genetics
Classification: Uncertain significance for Inborn genetic diseases. Last evaluated: 2025-02-20. Review status: criteria provided, single submitter. Criteria: Ambry Variant Classification Scheme 2023. Collection method: clinical testing. Allele origin: germline.

Labcorp Genetics (formerly Invitae), Labcorp
Classification: Uncertain significance for Nemaline myopathy 10. Last evaluated: 2022-08-15. Review status: criteria provided, single submitter. Criteria: Invitae Variant Classification Sherloc (09022015). Collection method: clinical testing. Allele origin: germline.
Comment: In summary, the available evidence is currently insufficient to determine the role of this variant in disease. Therefore, it has been classified as a Variant of Uncertain Significance. Algorithms developed to predict the effect of missense changes on protein structure and function (SIFT, PolyPhen-2, Align-GVGD) all suggest that this variant is likely to be tolerated. ClinVar contains an entry for this variant (Variation ID: 1436925). This variant has not been reported in the literature in individuals affected with LMOD3-related conditions. This variant is not present in population databases (gnomAD no frequency). This sequence change replaces arginine, which is basic and polar, with glycine, which is neutral and non-polar, at codon 486 of the LMOD3 protein (p.Arg486Gly).